The following is an entry in ClinVar:

ClinVar aggregate classification (germline): Uncertain significance (1 of 4 stars; one submission).

Conditions:
Spermatogenic failure 18. Identifiers: MedGen C4539783, MONDO:0054615, OMIM 617576.
Ciliary dyskinesia, primary, 37 (CILD37). Also called: CILIARY DYSKINESIA, PRIMARY, 37, WITH OR WITHOUT SITUS INVERSUS. Identifiers: MedGen C4539798, MONDO:0033204, OMIM 617577.

Submission:

Labcorp Genetics (formerly Invitae), Labcorp
Classification: Uncertain significance for Ciliary dyskinesia, primary, 37; Spermatogenic failure 18. Last evaluated: 2020-09-09. Review status: criteria provided, single submitter. Criteria: Invitae Variant Classification Sherloc (09022015). Collection method: clinical testing. Allele origin: germline.
Comment: This sequence change replaces isoleucine with phenylalanine at codon 1088 of the DNAH1 protein (p.Ile1088Phe). The isoleucine residue is highly conserved and there is a small physicochemical difference between isoleucine and phenylalanine. This variant is not present in population databases (ExAC no frequency). This variant has not been reported in the literature in individuals with DNAH1-related conditions. Algorithms developed to predict the effect of missense changes on protein structure and function are either unavailable or do not agree on the potential impact of this missense change (SIFT: "Deleterious"; PolyPhen-2: "Possibly Damaging"; Align-GVGD: "Class C0"). In summary, the available evidence is currently insufficient to determine the role of this variant in disease. Therefore, it has been classified as a Variant of Uncertain Significance.

NM_015512.5(DNAH1):c.3262A>T (p.Ile1088Phe)

Gene: DNAH1 (dynein axonemal heavy chain 1; plus strand). Cytogenetic location: 3p21.1.
Variant type: single nucleotide variant.
Coding change: c.3262A>T on transcript NM_015512.5 (MANE Select); coding-DNA position 3262, A replaced by T.
Protein change: p.Ile1088Phe; replaces isoleucine 1088 with phenylalanine.
Molecular consequence: missense variant.
Genome position (GRCh38, 1-based): chr3:52,353,415, A>T. VCF-style: chr3-52353415-A-T. GRCh37 (hg19) VCF-style: chr3-52387431-A-T.
Other names: short protein forms I1088F.
Identifiers: ClinVar variation 1044905 (VCV001044905.5), dbSNP rs1432582836, ClinGen allele CA353114442.